The following is an entry in ClinVar:

ClinVar aggregate classification (germline): Uncertain significance. Review status: criteria provided, multiple submitters, no conflicts (2 of 4 stars). 2 submissions from 2 submitters: Uncertain significance (2). Last evaluated 2024-09-24.

Conditions:
Polycystic kidney disease, adult type (PKD1). Also called: Polycystic Kidney, Autosomal Dominant; POLYCYSTIC KIDNEY DISEASE 1 WITH OR WITHOUT POLYCYSTIC LIVER DISEASE; Polycystic Kidney Disease 1, Autosomal Dominant; Polycystic kidney disease 1; Polycystic kidney disease 1, severe; POLYCYSTIC KIDNEY DISEASE, ADULT, TYPE I. Identifiers: MedGen C3149841, MONDO:0008263, OMIM 173900.

gnomAD v4.1: 25 of 1,610,502 alleles (0.0016%); highest among the groups gnomAD compares: South Asian, 0.0099%; 1 homozygote.

Submissions (2):

GeneDx
Classification: Uncertain significance. Last evaluated: 2024-09-24. Review status: criteria provided, single submitter. Criteria: GeneDx Variant Classification Process June 2021. Collection method: clinical testing. Allele origin: germline. Affected: yes.
Comment: In silico analysis indicates that this missense variant does not alter protein structure/function; This variant is associated with the following publications: (PMID: 33639313)

Department of Pathology and Laboratory Medicine, Sinai Health System
Classification: Uncertain significance for Polycystic kidney disease, adult type. Last evaluated: 2018-05-22. Review status: criteria provided, single submitter. Criteria: ACMG Guidelines, 2015. Collection method: clinical testing. Allele origin: germline.

NM_001009944.3(PKD1):c.5143G>A (p.Val1715Met)

Gene: PKD1 (polycystin 1, transient receptor potential channel interacting; minus strand). Cytogenetic location: 16p13.3.
Variant type: single nucleotide variant.
Coding change: c.5143G>A on transcript NM_001009944.3 (MANE Select); coding-DNA position 5143, G replaced by A.
Protein change: p.Val1715Met; replaces valine 1715 with methionine.
Molecular consequence: missense variant.
Genome position (GRCh38, 1-based): chr16:2,110,024, C>T on the plus strand (G>A on the coding strand, the complement: PKD1 is on the minus strand). VCF-style: chr16-2110024-C-T. GRCh37 (hg19) VCF-style: chr16-2160025-C-T.
Other names: c.5143G>A, p.Val1715Met (NM_000296.4); short protein forms V1715M.
Identifiers: ClinVar variation 3773980 (VCV003773980.2).